The following is an entry in ClinVar:

NM_000540.3(RYR1):c.8686G>A (p.Ala2896Thr)

Gene: RYR1 (ryanodine receptor 1; plus strand). Cytogenetic location: 19q13.2.
Variant type: single nucleotide variant.
Coding change: c.8686G>A on transcript NM_000540.3 (MANE Select); coding-DNA position 8686, G replaced by A.
Protein change: p.Ala2896Thr; replaces alanine 2896 with threonine.
Molecular consequence: missense variant.
Genome position (GRCh38, 1-based): chr19:38,506,540, G>A. VCF-style: chr19-38506540-G-A. GRCh37 (hg19) VCF-style: chr19-38997180-G-A.
Other names: c.8686G>A, p.Ala2896Thr (NM_001042723.2); short protein forms A2896T.
Identifiers: ClinVar variation 329082 (VCV000329082.7), dbSNP rs886054397, ClinGen allele CA10652418.

ClinVar aggregate classification (germline): Uncertain significance. Review status: criteria provided, multiple submitters, no conflicts (2 of 4 stars). 3 submissions from 2 submitters: Uncertain significance (3). Last evaluated 2024-03-28.

Conditions:
Congenital multicore myopathy with external ophthalmoplegia (CMYO1B). Also called: MULTICORE MYOPATHY; Minicore myopathy with external ophthalmoplegia; Congenital myopathy 1B, autosomal recessive; Minicore myopathy; MULTIMINICORE DISEASE WITH EXTERNAL OPHTHALMOPLEGIA. Identifiers: Orphanet 598, Orphanet 98905, MedGen C1850674, MONDO:0009712, OMIM 255320, HP:0003789.
Malignant hyperthermia, susceptibility to, 1 (MHS1). Also called: Anesthesia related hyperthermia; Malignant hyperpyrexia; Fulminating hyperpyrexia; Pharmacogenic myopathy; RYR1-Related Malignant Hyperthermia Susceptibility; Malignant hyperthermia suceptibility 1. Identifiers: Orphanet 423, MedGen C2930980, MONDO:0007783, OMIM 145600.

Allele frequency attached by ClinVar (database versions not stated): gnomAD exomes below 0.00001; TOPMed below 0.00001; gnomAD 0.00003.
gnomAD v4.1: 1 of 1,614,010 alleles (0.000062%); highest among the groups gnomAD compares: Non-Finnish European, 0.000085%; no homozygotes.

Submissions (3):

All of Us Research Program, National Institutes of Health
Classification: Uncertain significance for Malignant hyperthermia, susceptibility to, 1. Last evaluated: 2024-03-28. Review status: criteria provided, single submitter. Criteria: ACMG Guidelines, 2015. Collection method: clinical testing. Allele origin: germline. Inheritance: Autosomal dominant inheritance. Observed: 1 variant allele, 1 heterozygote.
Comment: This study involves interpretation of variants in research participants for the purpose of population health screening. Participant phenotype was not available at the time of variant classification. Additional details can be found in publication PMID: 35346344, PMCID: PMC8962531

Illumina Laboratory Services, Illumina
Classification: Uncertain significance for Congenital multicore myopathy with external ophthalmoplegia. Last evaluated: 2018-01-12. Review status: criteria provided, single submitter. Criteria: ICSL Variant Classification Criteria 13 December 2019. Collection method: clinical testing. Allele origin: germline.

Illumina Laboratory Services, Illumina
Classification: Uncertain significance for Malignant hyperthermia, susceptibility to, 1. Last evaluated: 2018-01-12. Review status: criteria provided, single submitter. Criteria: ICSL Variant Classification Criteria 13 December 2019. Collection method: clinical testing. Allele origin: germline.